The following is an entry in ClinVar:

ClinVar aggregate classification (germline): Likely pathogenic (1 of 4 stars; one submission).

Submission:

Labcorp Genetics (formerly Invitae), Labcorp
Classification: Likely pathogenic. Last evaluated: 2021-06-18. Review status: criteria provided, single submitter. Criteria: Invitae Variant Classification Sherloc (09022015). Collection method: clinical testing. Allele origin: germline.
Comment: This variant results in a copy number gain of the genomic region encompassing exon(s) 3 of the LAMC3 gene. While the exact position of this variant cannot be determined from the data, sub-genic copy number gains are generally in tandem (PMID: 25640679). This variant is predicted to be out-of-frame, and may result in an absent or disrupted protein product. Loss-of-function variants in LAMC3 are known to be pathogenic (PMID: 21572413, 26802095). In summary, the currently available evidence indicates that the variant is pathogenic, but additional data are needed to prove that conclusively. Therefore, this variant has been classified as Likely Pathogenic. This variant has not been reported in the literature in individuals with LAMC3-related conditions.

Literature cited by the submitters: PubMed 25640679; PubMed 21572413; PubMed 26802095.

NC_000009.11:g.(?_133907412)_(133907582_?)dup

Gene: LAMC3 (laminin subunit gamma 3; plus strand). Cytogenetic location: 9q34.12.
Variant type: Duplication.
Identifiers: ClinVar variation 1515240 (VCV001515240.5).